The following is an entry in ClinVar:

ClinVar aggregate classification (germline): Pathogenic/Likely pathogenic. Review status: criteria provided, multiple submitters, no conflicts (2 of 4 stars). 7 submissions from 7 submitters: Pathogenic (1); Likely pathogenic (4). 2 of the submissions do not count toward it. Last evaluated 2025-09-19.

Conditions:
ASPA-related disorder. Also called: ASPA-related condition.
Spongy degeneration of central nervous system. Also called: Canavan disease; Von Bogaert-Bertrand disease; ACY2 DEFICIENCY; AMINOACYLASE 2 DEFICIENCY; ASP DEFICIENCY; ASPA DEFICIENCY. Identifiers: Orphanet 141, MedGen C0206307, MONDO:0010079, OMIM 271900.

Allele frequency attached by ClinVar (database versions not stated): gnomAD exomes 0.00001; ExAC 0.00002.
gnomAD v4.1: 6 of 1,614,112 alleles (0.00037%); highest among the groups gnomAD compares: African/African-American, 0.0013%; no homozygotes.

Submissions (7):

Natera, Inc.
Classification: Likely pathogenic for Canavan Disease. Last evaluated: 2025-09-19. Review status: criteria provided, single submitter. Criteria: Natera Variant Classification Schema (03/2026). Collection method: clinical testing. Allele origin: germline.
Comment: The c.47T>C variant in ASPA is a missense variant predicted to cause substitution of isoleucine to threonine at amino acid 16. This variant is rare in the general population with a frequency below the threshold expected for the associated phenotype(s). This variant has been observed in one or more individuals affected with the associated recessive disease, as either homozygous or compound heterozygous with a second variant (PMID: 8659549, 12638939). Functional studies show that this variant may disrupt protein function (PMID: 8659549). Computational prediction algorithms indicate this variant is likely to affect gene or protein function. Given the available evidence, this variant is classified as Likely Pathogenic.

Labcorp Genetics (formerly Invitae), Labcorp
Classification: Pathogenic for Spongy degeneration of central nervous system. Last evaluated: 2022-05-14. Review status: criteria provided, single submitter. Criteria: Invitae Variant Classification Sherloc (09022015). Collection method: clinical testing. Allele origin: germline.
Comment: For these reasons, this variant has been classified as Pathogenic. Experimental studies have shown that this missense change affects ASPA function (PMID: 8659549). Advanced modeling of protein sequence and biophysical properties (such as structural, functional, and spatial information, amino acid conservation, physicochemical variation, residue mobility, and thermodynamic stability) performed at Invitae indicates that this missense variant is expected to disrupt ASPA protein function. ClinVar contains an entry for this variant (Variation ID: 550560). This missense change has been observed in individual(s) with Canavan disease (PMID: 8659549, 12638939). In at least one individual the data is consistent with being in trans (on the opposite chromosome) from a pathogenic variant. This variant is present in population databases (rs769653717, gnomAD 0.002%). This sequence change replaces isoleucine, which is neutral and non-polar, with threonine, which is neutral and polar, at codon 16 of the ASPA protein (p.Ile16Thr).

Laboratory for Molecular Medicine, Mass General Brigham Personalized Medicine
Classification: Likely pathogenic for Spongy degeneration of central nervous system. Last evaluated: 2022-05-10. Review status: criteria provided, single submitter. Criteria: ACMG Guidelines, 2015. Collection method: clinical testing. Allele origin: germline. Inheritance: Autosomal recessive inheritance.
Comment: The p.Ile16Thr variant in ASPA has been reported in compound heterozygous state with another pathogenic ASPA variant in 3 individuals with Canavan Disease (Kaul 1996 PMID: 8659549, Elpeleg 1999 PMID: 10407784, Zeng 2002 PMID: 12638939). It at least 1 individual, the Ile16Thr variant was confirmed to be in trans. This variant has also been reported by other clinical laboratories in ClinVar (Variation ID 550560) and has been identified in 0.002% (2/113756) of European chromosomes by gnomAD. In vitro functional studies of enzyme activity provide evidence that this variant affects protein function, as its enzymatic activity was 0.4% of the wild type allele (Kaul 1996 PMID: 8659549). Computational prediction tools and conservation analyses do not provide evidence for or against an effect to the protein. In summary, although additional studies are required to fully establish its clinical significance, this variant meets criteria to be classified as likely pathogenic for autosomal recessive Canavan Disease. ACMG/AMP Criteria applied: PM3_Strong, PM2_Supporting, PS3_Moderate.

Genome-Nilou Lab
Classification: Likely pathogenic for Spongy degeneration of central nervous system. Last evaluated: 2021-11-07. Review status: criteria provided, single submitter. Criteria: ACMG Guidelines, 2015. Collection method: clinical testing. Allele origin: germline. Affected: yes.

Fulgent Genetics
Classification: Likely pathogenic for Spongy degeneration of central nervous system. Last evaluated: 2021-10-01. Review status: criteria provided, single submitter. Criteria: ACMG Guidelines, 2015. Collection method: clinical testing. Allele origin: unknown.

PreventionGenetics, part of Exact Sciences
Classification: Pathogenic for ASPA-related condition. Last evaluated: 2024-09-01. Review status: no assertion criteria provided. Collection method: clinical testing. Allele origin: germline. Not counted in ClinVar's aggregate classification.
Comment: The ASPA c.47T>C variant is predicted to result in the amino acid substitution p.Ile16Thr. This variant has been reported along with a second known pathogenic ASPA variant in two individuals with confirmed Canavan disease (Kaul et al. 1996. PubMed ID: 8659549; Zeng et al. 2002. PubMed ID: 12638939). The variants identified in the proband reported by Kaul et al. were confirmed to be in the compound heterozygous state. Additionally, this variant has been reported along with a second rare ASPA missense variant (p.Phe295Ser) in a patient with Canavan disease (Elpeleg and Shaag. 1999. PubMed ID: 10407784). In an expression study using COS1 cells, the p.Ile16Thr substitution was reported to decrease enzyme activity to <0.5% (Kaul et al. 1996. PubMed ID: 8659549). This variant is reported in 0.0018% of alleles in individuals of European (Non-Finnish) descent in gnomAD. It is classified as pathogenic or likely pathogenic in the ClinVar database. Based on these observations, we interpret this variant as pathogenic.

Counsyl
Classification: Likely pathogenic for Spongy degeneration of central nervous system. Last evaluated: 2017-02-01. Review status: no assertion criteria provided. Collection method: clinical testing. Allele origin: unknown. Not counted in ClinVar's aggregate classification.

Literature cited by the submitters: PubMed 8659549 (cited by 4 submitters); PubMed 12638939 (cited by 3 submitters); PubMed 10407784 (cited by Laboratory for Molecular Medicine, Mass General Brigham Personalized Medicine and Counsyl); PubMed 17194761 (cited by Counsyl); PubMed 16802711 (cited by Counsyl); PubMed 23233226 (cited by Counsyl).

NM_000049.4(ASPA):c.47T>C (p.Ile16Thr)

Genes: ASPA (aspartoacylase; plus strand), SPATA22 (spermatogenesis associated 22; minus strand). Cytogenetic location: 17p13.2.
Variant type: single nucleotide variant.
Coding change: c.47T>C on transcript NM_000049.4 (MANE Select); coding-DNA position 47, T replaced by C.
Protein change: p.Ile16Thr; replaces isoleucine 16 with threonine.
Molecular consequence: missense variant. On other transcripts: intron variant (2).
Genome position (GRCh38, 1-based): chr17:3,476,206, T>C. VCF-style: chr17-3476206-T-C. GRCh37 (hg19) VCF-style: chr17-3379500-T-C.
Other names: c.47T>C, p.Ile16Thr (NM_001128085.1); c.-73-6808A>G (NM_001321336.2, NM_001321337.2); short protein forms I16T.
Identifiers: ClinVar variation 550560 (VCV000550560.19), dbSNP rs769653717, ClinGen allele CA8288845.